The following is an entry in ClinVar:

NM_000219.6(KCNE1):c.272A>C (p.Asp91Ala)

Gene: KCNE1 (potassium voltage-gated channel subfamily E regulatory subunit 1; minus strand). Cytogenetic location: 21q22.12.
Variant type: single nucleotide variant.
Coding change: c.272A>C on transcript NM_000219.6 (MANE Select); coding-DNA position 272, A replaced by C.
Protein change: p.Asp91Ala; replaces aspartic acid 91 with alanine.
Molecular consequence: missense variant.
Genome position (GRCh38, 1-based): chr21:34,449,363, T>G on the plus strand (A>C on the coding strand, the complement: KCNE1 is on the minus strand). VCF-style: chr21-34449363-T-G. GRCh37 (hg19) VCF-style: chr21-35821661-T-G.
Other names: c.272A>C, p.Asp91Ala (NM_001127668.4, NM_001127669.4, NM_001127670.4 and 4 more transcripts); short protein forms D91A.
Identifiers: ClinVar variation 3374496 (VCV003374496.2).

Conditions:
Long QT syndrome 5 (LQT5). Identifiers: Orphanet 101016, Orphanet 768, MedGen C1867904, MONDO:0013372, OMIM 613695.

Submission:

Roden Lab, Vanderbilt University Medical Center
No classification provided (evidence only). Condition: Long QT syndrome 5. Review status: no classification provided. Collection method: in vitro. Allele origin: not applicable. Functional consequence: Effect on ion channel function.
ClinVar note: "not provided" was previously submitted as the classification for the variant. However, the classification appeared to be based only on an observation of functional data so it was converted to no classification on 2025-07-30.